The following is an entry in ClinVar:

ClinVar aggregate classification (germline): Uncertain significance (1 of 4 stars; one submission).

gnomAD v4.1: 1 of 1,613,428 alleles (0.000062%); highest among the groups gnomAD compares: Admixed American, 0.0017%; no homozygotes.

Submission:

Ambry Genetics
Classification: Uncertain significance. Last evaluated: 2026-08-18. Review status: criteria provided, single submitter. Criteria: Ambry Variant Classification Scheme 2023. Collection method: clinical testing. Allele origin: germline.
Comment: The p.P98T variant (also known as c.292C>A), located in coding exon 2 of the ATRIP gene, results from a C to A substitution at nucleotide position 292. The proline at codon 98 is replaced by threonine, an amino acid with highly similar properties. This amino acid position is conserved. In addition, this alteration is predicted to be tolerated by in silico analysis. Based on the available evidence, the clinical significance of this variant remains unclear.

NM_130384.3(ATRIP):c.292C>A (p.Pro98Thr)

Genes: ATRIP (ATR interacting protein; plus strand), ATRIP-TREX1 (ATRIP-TREX1 readthrough; plus strand). Cytogenetic location: 3p21.31.
Variant type: single nucleotide variant.
Coding change: c.292C>A on transcript NM_130384.3 (MANE Select); coding-DNA position 292, C replaced by A.
Protein change: p.Pro98Thr; replaces proline 98 with threonine.
Molecular consequence: missense variant. On other transcripts: non-coding transcript variant (1), 5 prime UTR variant (1).
Genome position (GRCh38, 1-based): chr3:48,450,081, C>A. VCF-style: chr3-48450081-C-A. GRCh37 (hg19) VCF-style: chr3-48491487-C-A.
Other names: c.-173C>A (NM_001271022.2); c.13C>A, p.Pro5Thr (NM_001271023.2); c.292C>A, p.Pro98Thr (NM_032166.4); short protein forms P5T, P98T.
Identifiers: ClinVar variation 5032463 (VCV005032463.1).